The following is an entry in ClinVar:

NM_002900.3(RBP3):c.436A>G (p.Met146Val)

Gene: RBP3 (retinol binding protein 3; plus strand). Cytogenetic location: 10q11.22.
Variant type: single nucleotide variant.
Coding change: c.436A>G on transcript NM_002900.3 (MANE Select); coding-DNA position 436, A replaced by G.
Protein change: p.Met146Val; replaces methionine 146 with valine.
Molecular consequence: missense variant.
Genome position (GRCh38, 1-based): chr10:47,348,920, A>G. VCF-style: chr10-47348920-A-G. GRCh37 (hg19) VCF-style: chr10-48390442-T-C.
Other names: short protein forms M146V.
Identifiers: ClinVar variation 1375827 (VCV001375827.8), dbSNP rs782522508, ClinGen allele CA376665056.

ClinVar aggregate classification (germline): Uncertain significance (1 of 4 stars; one submission).

Submission:

Labcorp Genetics (formerly Invitae), Labcorp
Classification: Uncertain significance. Last evaluated: 2024-12-16. Review status: criteria provided, single submitter. Criteria: Invitae Variant Classification Sherloc (09022015). Collection method: clinical testing. Allele origin: germline.
Comment: This sequence change replaces methionine, which is neutral and non-polar, with valine, which is neutral and non-polar, at codon 146 of the RBP3 protein (p.Met146Val). This variant is not present in population databases (gnomAD no frequency). This variant has not been reported in the literature in individuals affected with RBP3-related conditions. ClinVar contains an entry for this variant (Variation ID: 1375827). Invitae Evidence Modeling of protein sequence and biophysical properties (such as structural, functional, and spatial information, amino acid conservation, physicochemical variation, residue mobility, and thermodynamic stability) indicates that this missense variant is not expected to disrupt RBP3 protein function with a negative predictive value of 80%. In summary, the available evidence is currently insufficient to determine the role of this variant in disease. Therefore, it has been classified as a Variant of Uncertain Significance.